The following is an entry in ClinVar:

NM_002474.3(MYH11):c.3202C>T (p.His1068Tyr)

Gene: MYH11 (myosin heavy chain 11; minus strand). Cytogenetic location: 16p13.11.
Variant type: single nucleotide variant.
Coding change: c.3202C>T on transcript NM_002474.3 (MANE Select); coding-DNA position 3202, C replaced by T.
Protein change: p.His1068Tyr; replaces histidine 1068 with tyrosine.
Molecular consequence: missense variant.
Genome position (GRCh38, 1-based): chr16:15,737,540, G>A on the plus strand (C>T on the coding strand, the complement: MYH11 is on the minus strand). VCF-style: chr16-15737540-G-A. GRCh37 (hg19) VCF-style: chr16-15831397-G-A.
Other names: c.3223C>T, p.His1075Tyr (NM_001040113.2, NM_001040114.2); c.3202C>T, p.His1068Tyr (NM_022844.3); short protein forms H1068Y, H1075Y.
Identifiers: ClinVar variation 1728838 (VCV001728838.7), dbSNP rs1156371168, ClinGen allele CA394863102.

ClinVar aggregate classification (germline): Uncertain significance. Review status: criteria provided, multiple submitters, no conflicts (2 of 4 stars). 4 submissions from 4 submitters: Uncertain significance (4). Last evaluated 2025-06-23.

Conditions:
Aortic aneurysm, familial thoracic 4 (AAT4). Also called: AORTIC ANEURYSM/AORTIC DISSECTION AND PATENT DUCTUS ARTERIOSUS. Identifiers: MedGen C1851504, MONDO:0007568, OMIM 132900.
Familial thoracic aortic aneurysm and aortic dissection (TAAD). Also called: Thoracic aortic aneurysms and dissections. Identifiers: Orphanet 91387, MedGen C4707243, MONDO:0019625.

Allele frequency attached by ClinVar (database versions not stated): gnomAD exomes 0.00001.
gnomAD v4.1: 3 of 1,613,992 alleles (0.00019%); highest among the groups gnomAD compares: South Asian, 0.0022%; no homozygotes.

Submissions (4):

Color Diagnostics, LLC DBA Color Health
Classification: Uncertain significance for Familial thoracic aortic aneurysm and aortic dissection. Last evaluated: 2025-06-23. Review status: criteria provided, single submitter. Criteria: ACMG Guidelines, 2015. Collection method: clinical testing. Allele origin: germline.
Comment: This missense variant replaces histidine with tyrosine at codon 1075 of the MYH11 protein. Computational prediction suggests that this variant may not impact protein structure and function. To our knowledge, functional studies have not been reported for this variant. This variant has not been reported in individuals affected with MYH11-related disorders in the literature. This variant has not been identified in the general population by the Genome Aggregation Database (gnomAD). The available evidence is insufficient to determine the role of this variant in disease conclusively. Therefore, this variant is classified as a Variant of Uncertain Significance.

Labcorp Genetics (formerly Invitae), Labcorp
Classification: Uncertain significance for Aortic aneurysm, familial thoracic 4. Last evaluated: 2023-09-19. Review status: criteria provided, single submitter. Criteria: Invitae Variant Classification Sherloc (09022015). Collection method: clinical testing. Allele origin: germline.
Comment: In summary, the available evidence is currently insufficient to determine the role of this variant in disease. Therefore, it has been classified as a Variant of Uncertain Significance. Advanced modeling of protein sequence and biophysical properties (such as structural, functional, and spatial information, amino acid conservation, physicochemical variation, residue mobility, and thermodynamic stability) performed at Invitae indicates that this missense variant is not expected to disrupt MYH11 protein function. ClinVar contains an entry for this variant (Variation ID: 1728838). This variant has not been reported in the literature in individuals affected with MYH11-related conditions. This variant is not present in population databases (gnomAD no frequency). This sequence change replaces histidine, which is basic and polar, with tyrosine, which is neutral and polar, at codon 1075 of the MYH11 protein (p.His1075Tyr).

All of Us Research Program, National Institutes of Health
Classification: Uncertain significance for Familial thoracic aortic aneurysm and aortic dissection. Last evaluated: 2023-04-27. Review status: criteria provided, single submitter. Criteria: ACMG Guidelines, 2015. Collection method: clinical testing. Allele origin: germline. Inheritance: Autosomal dominant inheritance. Observed: 1 variant allele, 1 heterozygote.
Comment: This study involves interpretation of variants in research participants for the purpose of population health screening. Participant phenotype was not available at the time of variant classification. Additional details can be found in publication PMID: 35346344, PMCID: PMC8962531

Ambry Genetics
Classification: Uncertain significance for Familial thoracic aortic aneurysm and aortic dissection. Last evaluated: 2022-02-20. Review status: criteria provided, single submitter. Criteria: Ambry Variant Classification Scheme 2023. Collection method: clinical testing. Allele origin: germline.
Comment: The p.H1068Y variant (also known as c.3202C>T), located in coding exon 24 of the MYH11 gene, results from a C to T substitution at nucleotide position 3202. The histidine at codon 1068 is replaced by tyrosine, an amino acid with similar properties. This amino acid position is conserved. In addition, the in silico prediction for this alteration is inconclusive. Since supporting evidence is limited at this time, the clinical significance of this alteration remains unclear.